The following is an entry in ClinVar:

ClinVar aggregate classification (germline): Pathogenic (1 of 4 stars; one submission).

Conditions:
Neurofibromatosis, type 1 (NF1). Also called: Neurofibromatosis, type I; VON RECKLINGHAUSEN DISEASE; NEUROFIBROMATOSIS, TYPE I, SOMATIC; Peripheral type neurofibromatosis. Identifiers: Orphanet 636, MedGen C0027831, MONDO:0018975, OMIM 162200. Disease mechanism: loss of function.

Submission:

Labcorp Genetics (formerly Invitae), Labcorp
Classification: Pathogenic for Neurofibromatosis, type 1. Last evaluated: 2024-10-15. Review status: criteria provided, single submitter. Criteria: Invitae Variant Classification Sherloc (09022015). Collection method: clinical testing. Allele origin: germline.
Comment: This sequence change creates a premature translational stop signal (p.Ala1655Leufs*7) in the NF1 gene. It is expected to result in an absent or disrupted protein product. Loss-of-function variants in NF1 are known to be pathogenic (PMID: 10712197, 23913538). This variant is not present in population databases (gnomAD no frequency). This variant has not been reported in the literature in individuals affected with NF1-related conditions. ClinVar contains an entry for this variant (Variation ID: 1454219). Algorithms developed to predict the effect of sequence changes on RNA splicing suggest that this variant may create or strengthen a splice site. For these reasons, this variant has been classified as Pathogenic.

Literature cited by the submitters: PubMed 10712197; PubMed 23913538.

NM_001042492.3(NF1):c.5021_5024dup (p.Ala1676fs)

Gene: NF1 (neurofibromin 1; plus strand). Cytogenetic location: 17q11.2.
Variant type: Microsatellite.
Coding change: c.5021_5024dup on transcript NM_001042492.3 (MANE Select); coding-DNA positions 5021 to 5024, 4 bases duplicated (TCTC; older notation c.5021_5024dupTCTC).
Protein change: p.Ala1676fs; shifts the reading frame from alanine 1676.
Molecular consequence: frameshift variant.
Genome position (GRCh38, 1-based): chr17:31,326,005-31,326,008, TCTC duplicated. VCF-style (leftmost placement, unchanged base first): chr17-31326004-G-GTCTC. GRCh37 (hg19) VCF-style: chr17-29653022-G-GTCTC.
Other names: c.4958_4959TC[4], p.Ala1655Leufs (NM_000267.4); short protein forms A1655fs, A1676fs.
Identifiers: ClinVar variation 1454219 (VCV001454219.6), dbSNP rs876660286, ClinGen allele CA2580614069.